The following is an entry in ClinVar:

NM_014244.5(ADAMTS2):c.137del (p.Pro46fs)

Gene: ADAMTS2 (ADAM metallopeptidase with thrombospondin type 1 motif 2; minus strand). Cytogenetic location: 5q35.3.
Variant type: Deletion.
Coding change: c.137del on transcript NM_014244.5 (MANE Select); coding-DNA position 137, one base deleted (C; older notation c.137delC).
Protein change: p.Pro46fs; shifts the reading frame from proline 46.
Molecular consequence: frameshift variant.
Genome position (GRCh38, 1-based): chr5:179,345,192, G deleted on the plus strand (C on the coding strand, the reverse complement: ADAMTS2 is on the minus strand); the first of 6 consecutive G bases (chr5:179,345,192-179,345,197); deleting any one gives the same sequence. VCF-style (leftmost placement, unchanged base first): chr5-179345191-TG-T. GRCh37 (hg19) VCF-style: chr5-178772192-TG-T.
Other names: c.137delC (NM_014244.4); c.137del, p.Pro46fs (NM_021599.4); short protein forms P46fs.
Identifiers: ClinVar variation 1072866 (VCV001072866.8), dbSNP rs1417947464, ClinGen allele CA2499217805.

ClinVar aggregate classification (germline): Pathogenic/Likely pathogenic. Review status: criteria provided, multiple submitters, no conflicts (2 of 4 stars). 2 submissions from 2 submitters: Pathogenic (1); Likely pathogenic (1). Last evaluated 2024-03-02.

Conditions:
Ehlers-Danlos syndrome, dermatosparaxis type. Also called: EDS VIIC; Dermatosparaxis; Ehlers-Danlos syndrome, type VII, autosomal recessive. Identifiers: Orphanet 1901, MedGen C2700425, MONDO:0009161, OMIM 225410.

Submissions (2):

Natera, Inc.
Classification: Likely pathogenic for Ehlers-Danlos syndrome type VIIC. Last evaluated: 2024-03-02. Review status: criteria provided, single submitter. Criteria: Natera Variant Classification Schema (03/2026). Collection method: clinical testing. Allele origin: germline.
Comment: The c.137delC variant in ADAMTS2 is a frameshift variant predicted to shift the reading frame beginning at codon 46 and leads to a stop codon 119 codons downstream. This variant is expected to result in nonsense mediated decay, truncation, or a dysfunctional protein product. This variant is rare in the general population with a frequency below the threshold expected for the associated phenotype(s). Given the available evidence, this variant is classified as Likely Pathogenic.

Labcorp Genetics (formerly Invitae), Labcorp
Classification: Pathogenic for Ehlers-Danlos syndrome, dermatosparaxis type. Last evaluated: 2020-03-07. Review status: criteria provided, single submitter. Criteria: Invitae Variant Classification Sherloc (09022015). Collection method: clinical testing. Allele origin: germline.
Comment: Loss-of-function variants in ADAMTS2 are known to be pathogenic (PMID: 10417273). For these reasons, this variant has been classified as Pathogenic. This variant has not been reported in the literature in individuals with ADAMTS2-related conditions. The frequency data for this variant in the population databases is considered unreliable, as metrics indicate insufficient coverage at this position in the ExAC database. This sequence change creates a premature translational stop signal (p.Pro46Glnfs*119) in the ADAMTS2 gene. It is expected to result in an absent or disrupted protein product.

Literature cited by the submitters: PubMed 10417273 (cited by Labcorp Genetics (formerly Invitae), Labcorp).